The following is an entry in ClinVar:

ClinVar aggregate classification (germline): Uncertain significance. Review status: criteria provided, multiple submitters, no conflicts (2 of 4 stars). 2 submissions from 2 submitters: Uncertain significance (2). Last evaluated 2025-08-15.

Conditions:
Autosomal dominant nonsyndromic hearing loss 1. Also called: KONIGSMARK SYNDROME; DEAFNESS, AUTOSOMAL DOMINANT 1, WITH OR WITHOUT THROMBOCYTOPENIA. Identifiers: Orphanet 90635, MedGen C1852282, MONDO:0007424, OMIM 124900.
Progressive microcephaly-seizures-cortical blindness-developmental delay syndrome. Also called: Seizures, cortical blindness, and microcephaly syndrome. Identifiers: Orphanet 477814, MedGen C5567650, MONDO:0014714, OMIM 616632.

Submissions (2):

Labcorp Genetics (formerly Invitae), Labcorp
Classification: Uncertain significance for Progressive microcephaly-seizures-cortical blindness-developmental delay syndrome; Autosomal dominant nonsyndromic hearing loss 1. Last evaluated: 2025-08-15. Review status: criteria provided, single submitter. Criteria: Invitae Variant Classification Sherloc (09022015). Collection method: clinical testing. Allele origin: germline.
Comment: This sequence change replaces proline, which is neutral and non-polar, with threonine, which is neutral and polar, at codon 599 of the DIAPH1 protein (p.Pro599Thr). This variant is not present in population databases (gnomAD no frequency). This variant has not been reported in the literature in individuals affected with DIAPH1-related conditions. ClinVar contains an entry for this variant (Variation ID: 2440783). Experimental studies and prediction algorithms are not available or were not evaluated, and the functional significance of this variant is currently unknown. In summary, the available evidence is currently insufficient to determine the role of this variant in disease. Therefore, it has been classified as a Variant of Uncertain Significance.

Revvity Omics, Revvity
Classification: Uncertain significance. Last evaluated: 2022-11-04. Review status: criteria provided, single submitter. Criteria: ACMG Guidelines, 2015. Collection method: clinical testing. Allele origin: germline.

NM_005219.5(DIAPH1):c.1795C>A (p.Pro599Thr)

Gene: DIAPH1 (diaphanous related formin 1; minus strand). Cytogenetic location: 5q31.3.
Variant type: single nucleotide variant.
Coding change: c.1795C>A on transcript NM_005219.5 (MANE Select); coding-DNA position 1795, C replaced by A.
Protein change: p.Pro599Thr; replaces proline 599 with threonine.
Molecular consequence: missense variant.
Genome position (GRCh38, 1-based): chr5:141,574,055, G>T on the plus strand (C>A on the coding strand, the complement: DIAPH1 is on the minus strand). VCF-style: chr5-141574055-G-T. GRCh37 (hg19) VCF-style: chr5-140953622-G-T.
Other names: c.1768C>A, p.Pro590Thr (NM_001079812.3); c.1795C>A, p.Pro599Thr (NM_001314007.2); short protein forms P590T, P599T.
Identifiers: ClinVar variation 2440783 (VCV002440783.6), dbSNP rs372170639, ClinGen allele CA361521152.